The following is an entry in ClinVar:

ClinVar aggregate classification (germline): Pathogenic. Review status: criteria provided, multiple submitters, no conflicts (2 of 4 stars). 13 submissions from 13 submitters: Pathogenic (12). 1 of the submissions does not count toward it. Last evaluated 2026-01-28.

Conditions:
PHYH-related disorder. Also called: PHYH-related condition.
Retinal dystrophy. Also called: Inherited retinal dystrophy. Identifiers: Orphanet 71862, MedGen C0854723, MeSH D058499, MONDO:0019118, HP:0000556.
Retinitis pigmentosa (RP). Identifiers: Orphanet 791, MedGen C0035334, MeSH D012174, MONDO:0019200, OMIM 268000. Inheritance: Autosomal dominant, autosomal recessive and X linked inheritance.
Refsum disease, classic. Also called: PHYH-Related Refsum Disease; HEREDOPATHIA ATACTICA POLYNEURITIFORMIS; HMSN IV; PHYTANIC ACID OXIDASE DEFICIENCY. Identifiers: Orphanet 773, MedGen C5780941, MONDO:1060256, OMIM 266500. Disease mechanism: loss of function.
REFSUM DISEASE, ADULT, 1. Identifiers: MedGen C2749345. Disease mechanism: loss of function.

Allele frequency attached by ClinVar (database versions not stated): gnomAD exomes 0.00010 and 0.00017; ESP Exome Variant Server 0.00015; gnomAD 0.00018 and 0.00017; ExAC 0.00011; TOPMed 0.00021.
gnomAD v4.1: 187 of 1,108,744 alleles (0.017%); highest among the groups gnomAD compares: Non-Finnish European, 0.024%; 2 homozygotes.

Submissions (19):

PreventionGenetics, part of Exact Sciences
Classification: Pathogenic for PHYH-related condition. Last evaluated: 2026-01-28. Review status: criteria provided, single submitter. Criteria: ACMG Guidelines, 2015. Collection method: clinical testing. Allele origin: germline.
Comment: The PHYH c.135-2A>G variant is predicted to disrupt the AG splice acceptor site and interfere with normal splicing. This variant was reported in the homozygous state in five patients from three families with Refsum disease, and functional studies demonstrated this variant leads to exon skipping (Patient RD001, Mihalik et al. 1997. PubMed ID: 9326939; Dubot et al. 2019. PubMed ID: 31240149; Table S1, Lin et al. 2024. PubMed ID: 38219857). This variant is reported in 0.022% of alleles in individuals of European (Non-Finnish) descent in gnomAD. Variants that disrupt the consensus splice acceptor site in PHYH are expected to be pathogenic. This variant is interpreted as pathogenic.

Labcorp Genetics (formerly Invitae), Labcorp
Classification: Pathogenic. Last evaluated: 2025-10-21. Review status: criteria provided, single submitter. Criteria: Invitae Variant Classification Sherloc (09022015). Collection method: clinical testing. Allele origin: germline.
Comment: This sequence change affects an acceptor splice site in intron 2 of the PHYH gene. RNA analysis indicates that disruption of this splice site induces altered splicing and likely results in a shortened protein product. This variant is present in population databases (rs201578674, gnomAD 0.02%). Disruption of this splice site has been observed in individuals with clinical features of Refsum disease (PMID: 9326939, 17905308, 31240149). ClinVar contains an entry for this variant (Variation ID: 7581). Studies have shown that disruption of this splice site results in skipping of exon 3, but is expected to preserve the integrity of the reading-frame (PMID: 9326939). For these reasons, this variant has been classified as Pathogenic.

Women's Health and Genetics/Laboratory Corporation of America, LabCorp
Classification: Pathogenic for Refsum disease, classic. Last evaluated: 2024-05-28. Review status: criteria provided, single submitter. Criteria: LabCorp Variant Classification Summary - May 2015. Collection method: clinical testing. Allele origin: germline.
Comment: Variant summary: PHYH c.135-2A>G is located in a canonical splice-site and is predicted to affect mRNA splicing resulting in a significantly altered protein due to either exon skipping, shortening, or inclusion of intronic material. Several computational tools predict a significant impact on normal splicing: Four predict the variant abolishes a 3' acceptor site. The variant allele was found at a frequency of 0.0001 in 250504 control chromosomes. This frequency is not significantly higher than estimated for a pathogenic variant in PHYH causing Phytanic Acid Storage Disease, allowing no conclusion about variant significance. c.135-2A>G has been reported in the literature in multiple individuals affected with Phytanic Acid Storage Disease (e.g. Dubot_2019). These data indicate that the variant is very likely to be associated with disease. To our knowledge, no experimental evidence demonstrating an impact on protein function has been reported. The following publication have been ascertained in the context of this evaluation (PMID: 31240149). ClinVar contains an entry for this variant (Variation ID: 7581). Based on the evidence outlined above, the variant was classified as pathogenic.

Baylor Genetics
Classification: Pathogenic for Refsum disease, classic. Last evaluated: 2024-03-30. Review status: criteria provided, single submitter. Criteria: ACMG Guidelines, 2015. Collection method: clinical testing. Allele origin: unknown.

Blueprint Genetics
Classification: Pathogenic for PHYH-related disorders. Last evaluated: 2024-01-24. Review status: criteria provided, single submitter. Criteria: ACMG Guidelines, 2015. Collection method: clinical testing. Allele origin: germline. Affected: yes. Observed: 5 variant alleles.

GeneDx
Classification: Pathogenic. Last evaluated: 2023-08-07. Review status: criteria provided, single submitter. Criteria: GeneDx Variant Classification Process June 2021. Collection method: clinical testing. Allele origin: germline. Affected: yes.
Comment: Canonical splice site variant expected to result in aberrant splicing, although in the absence of functional evidence the actual effect of this sequence change is unknown.; This variant is associated with the following publications: (PMID: 14974078, 25525159, 28470644, 9326939, 10767344, 18612766, 17905308, 31240149, 34426522, 32773395, 31816670)

Institute of Human Genetics, Univ. Regensburg, Univ. Regensburg
Classification: Pathogenic for Retinal dystrophy. Last evaluated: 2022-01-01. Review status: criteria provided, single submitter. Criteria: ACMG Guidelines, 2015. Collection method: clinical testing. Allele origin: germline. Affected: yes.

Broad Center for Mendelian Genomics, Broad Institute of MIT and Harvard
Classification: Pathogenic for Retinitis pigmentosa. Last evaluated: 2021-04-01. Review status: criteria provided, single submitter. Criteria: ACMG Guidelines, 2015. Collection method: curation. Allele origin: germline. Inheritance: Autosomal recessive inheritance. Affected: yes.
Comment: Through a review of available evidence we were able to apply the following criteria: PVS1, PM2, PM3-P. Based on this evidence we have classified this variant as Pathogenic. If you have any questions about the classification please reach out to the Pierce Lab.

Mayo Clinic Laboratories, Mayo Clinic
Classification: Pathogenic. Last evaluated: 2021-01-19. Review status: criteria provided, single submitter. Criteria: ACMG Guidelines, 2015. Collection method: clinical testing. Allele origin: germline. Observed: 2 variant alleles.
Comment: PVS1, PS3, PS4_moderate, PM2, PM3, PP1

Fulgent Genetics
Classification: Pathogenic for Refsum disease, classic. Last evaluated: 2018-10-31. Review status: criteria provided, single submitter. Criteria: ACMG Guidelines, 2015. Collection method: clinical testing. Allele origin: unknown.

Illumina Laboratory Services, Illumina
Classification: Pathogenic for Refsum disease, classic. Last evaluated: 2018-08-29. Review status: criteria provided, single submitter. Criteria: ICSL Variant Classification Criteria 09 May 2019. Collection method: clinical testing. Allele origin: germline.
Comment: The PHYH c.135-2A>G variant occurs in a canonical splice site (acceptor) and is therefore predicted to disrupt or distort the normal gene product. The c.135-2A>G variant is described in four studies in which it has been detected in a total of ten individuals with Refsum disease, seven of whom carried the variant in a homozygous state and three in a compound heterozygous state (Mihalik et al. 1997; Jansen et al. 1997; Jansen et al. 2000; Finsterer et al. 2008). Mihalik et al. (1997) and Jansen et al., (1997) both identified the c.135-2A>G variant in a homozygous state in an individual with Refsum disease and found expression of a truncated mRNA due to exon skipping. The c.135-2A>G variant was found to alter the consensus splice acceptor site (Mihalik et al. 1997). Jansen et al. (2000) subsequently detected the c.135-2A>G variant in an additional six patients, all of whom had deficient PHYH activity in fibroblasts. Control information is unavailable for the c.135-2A>G variant which is reported at a frequency of 0.000245 in the European (non-Finnish) population of the Genome Aggregation Database. Heterologous expression in yeast demonstrated no detectable PHYH enzyme activity (Jansen et al. 2000). Immunoblotting experiments revealed a shorter protein and a reduction in protein expression compared to wild type suggesting that the c.135-2A>G variant protein is less stable and degrades more rapidly (Jansen et al. 2000). Based on the collective evidence, the c.135-2A>G variant is classified as pathogenic for Refsum disease. This variant was observed by ICSL as part of a predisposition screen in an ostensibly healthy population.

Eurofins Ntd Llc (ga)
Classification: Pathogenic. Last evaluated: 2018-02-08. Review status: criteria provided, single submitter. Criteria: EGL Classification Definitions 2015. Collection method: clinical testing. Allele origin: germline. Observed: 1 variant allele, 1 heterozygote.

OMIM
Classification: Pathogenic for REFSUM DISEASE, ADULT, 1. Last evaluated: 2000-05-01. Review status: no assertion criteria provided. Collection method: literature only. Allele origin: germline. Not counted in ClinVar's aggregate classification.

Dr. Peter K. Rogan Lab, Western University
No classification provided (evidence only). Condition: Clear cell carcinoma of kidney. Review status: no classification provided. Collection method: in vitro. Allele origin: not applicable. Functional consequence: skipped exon, retained intron. Not counted in ClinVar's aggregate classification.

Dr. Peter K. Rogan Lab, Western University
No classification provided (evidence only). Condition: Familial cancer of breast. Review status: no classification provided. Collection method: in vitro. Allele origin: not applicable. Functional consequence: skipped exon. Not counted in ClinVar's aggregate classification.

Dr. Peter K. Rogan Lab, Western University
No classification provided (evidence only). Condition: Acute myeloid leukemia. Review status: no classification provided. Collection method: in vitro. Allele origin: not applicable. Functional consequence: skipped exon, retained intron. Not counted in ClinVar's aggregate classification.

Dr. Peter K. Rogan Lab, Western University
No classification provided (evidence only). Condition: Acute myeloid leukemia. Review status: no classification provided. Collection method: in vitro. Allele origin: not applicable. Functional consequence: skipped exon, retained intron. Not counted in ClinVar's aggregate classification.

Dr. Peter K. Rogan Lab, Western University
No classification provided (evidence only). Condition: Thyroid cancer, nonmedullary, 1. Review status: no classification provided. Collection method: in vitro. Allele origin: not applicable. Functional consequence: skipped exon, retained intron. Not counted in ClinVar's aggregate classification.

Dr. Peter K. Rogan Lab, Western University
No classification provided (evidence only). Condition: Uterine corpus endometrial carcinoma. Review status: no classification provided. Collection method: in vitro. Allele origin: not applicable. Functional consequence: skipped exon. Not counted in ClinVar's aggregate classification.

Literature cited by the submitters: PubMed 9326939 (cited by 7 submitters); PubMed 17905308 (cited by 4 submitters); PubMed 31240149 (cited by 4 submitters); PubMed 25525159 (cited by Institute of Human Genetics, Univ. Regensburg, Univ. Regensburg and Mayo Clinic Laboratories, Mayo Clinic); PubMed 31964843 (cited by Institute of Human Genetics, Univ. Regensburg, Univ. Regensburg); PubMed 31816670 (cited by Institute of Human Genetics, Univ. Regensburg, Univ. Regensburg); PubMed 34426522 (cited by Institute of Human Genetics, Univ. Regensburg, Univ. Regensburg); PubMed 34906470 (cited by Broad Center for Mendelian Genomics, Broad Institute of MIT and Harvard); PubMed 9326940 (cited by 4 submitters); PubMed 10767344 (cited by 4 submitters); PubMed 14974078 (cited by Broad Center for Mendelian Genomics, Broad Institute of MIT and Harvard); PubMed 18612766 (cited by 3 submitters); PubMed 28470644 (cited by Mayo Clinic Laboratories, Mayo Clinic); PubMed 28681609 (cited by Mayo Clinic Laboratories, Mayo Clinic); PubMed 11948235 (cited by Mayo Clinic Laboratories, Mayo Clinic).

NM_006214.4(PHYH):c.135-2A>G

Gene: PHYH (phytanoyl-CoA 2-hydroxylase; minus strand). Cytogenetic location: 10p13.
Variant type: single nucleotide variant.
Coding change: c.135-2A>G on transcript NM_006214.4 (MANE Select); the canonical splice acceptor site of the intron before coding-DNA position 135, A replaced by G.
Molecular consequence: splice acceptor variant.
Genome position (GRCh38, 1-based): chr10:13,295,608, T>C on the plus strand (A>G on the coding strand, the complement: PHYH is on the minus strand). VCF-style: chr10-13295608-T-C. GRCh37 (hg19) VCF-style: chr10-13337608-T-C.
Other names: IVS2AS, A-G, -2; c.135-2A>G (NM_001323083.2, NM_001323082.2); c.-166-2A>G (NM_001037537.2, NM_001323084.2, NM_001323080.2).
Identifiers: ClinVar variation 7581 (VCV000007581.38), dbSNP rs201578674, ClinGen allele CA212871.
Genomic context (GRCh38, chr10:13,295,608, plus strand): 5'-CATTTTCTTCATAAAATTTTCTCTGTTCCAGGGTTAGAACGTTATTATCCAGAGTATACC[T>C]AAAGGAGAAAAAGAATCCCAAAATAAGTTACATTTTTAAATTACAGGCTAGGCACAATGG-3'